The following is an entry in ClinVar:

ClinVar aggregate classification (germline): Benign. Review status: criteria provided, multiple submitters, no conflicts (2 of 4 stars). 3 submissions from 3 submitters: Benign (2). 1 of the submissions does not count toward it. Last evaluated 2018-04-13.

Conditions:
ATP2B3-related disorder. Also called: ATP2B3-related condition.

Allele frequency attached by ClinVar (database versions not stated): gnomAD exomes 0.00030 and 0.00081; ExAC 0.00089; ESP Exome Variant Server 0.00170; gnomAD 0.00227 and 0.00246; TOPMed 0.00287; 1000 Genomes Project 30x 0.00291; 1000 Genomes Project 0.00318.
gnomAD v4.1: 638 of 1,211,573 alleles (0.053%); highest among the groups gnomAD compares: African/African-American, 0.67%; 3 homozygotes.

Submissions (3):

Labcorp Genetics (formerly Invitae), Labcorp
Classification: Benign. Last evaluated: 2018-04-13. Review status: criteria provided, single submitter. Criteria: Invitae Variant Classification Sherloc (09022015). Collection method: clinical testing. Allele origin: germline.

Breakthrough Genomics
Classification: Benign. Review status: criteria provided, single submitter. Criteria: ACMG Guidelines, 2015. Collection method: not provided. Allele origin: germline. Inheritance: X-linked inheritance. Affected: yes.

PreventionGenetics, part of Exact Sciences
Classification: Likely benign for ATP2B3-related condition. Last evaluated: 2019-03-19. Review status: no assertion criteria provided. Collection method: clinical testing. Allele origin: germline. Not counted in ClinVar's aggregate classification.
Comment: This variant is classified as likely benign based on ACMG/AMP sequence variant interpretation guidelines (Richards et al. 2015 PMID: 25741868, with internal and published modifications).

NM_001001344.3(ATP2B3):c.1635C>T (p.Cys545=)

Gene: ATP2B3 (ATPase plasma membrane Ca2+ transporting 3; plus strand). Cytogenetic location: Xq28.
Variant type: single nucleotide variant.
Coding change: c.1635C>T on transcript NM_001001344.3 (MANE Select); coding-DNA position 1635, C replaced by T.
Protein change: p.Cys545=; no amino-acid change (cysteine 545 retained).
Molecular consequence: synonymous variant.
Genome position (GRCh38, 1-based): chrX:153,550,098, C>T. VCF-style: chrX-153550098-C-T. GRCh37 (hg19) VCF-style: chrX-152815556-C-T.
Other names: c.1635C>T, p.Cys545= (NM_001388360.1, NM_001388361.1, NM_001388362.1 and 1 more transcripts).
Identifiers: ClinVar variation 733676 (VCV000733676.6), dbSNP rs62642556, ClinGen allele CA10547778.